The following is an entry in ClinVar:

ClinVar aggregate classification (germline): Pathogenic/Likely pathogenic. Review status: criteria provided, multiple submitters, no conflicts (2 of 4 stars). 2 submissions from 2 submitters: Pathogenic (1); Likely pathogenic (1). Last evaluated 2024-02-24.

Conditions:
Intellectual developmental disorder, autosomal dominant 6, with or without seizures. Also called: Intellectual disability, autosomal dominant 6; GRIN2B-related developmental delay, intellectual disability and autism spectrum disorder. Identifiers: Orphanet 589547, MedGen C3151411, MONDO:0013509, OMIM 613970.
Developmental and epileptic encephalopathy, 27 (DEE27). Also called: GRIN2B-Related Neurodevelopmental Disorder; Epileptic encephalopathy, early infantile, 27. Identifiers: Orphanet 3451, MedGen C4015316, MONDO:0014505, OMIM 616139.

Submissions (2):

Labcorp Genetics (formerly Invitae), Labcorp
Classification: Pathogenic for Developmental and epileptic encephalopathy, 27; Intellectual developmental disorder, autosomal dominant 6, with or without seizures. Last evaluated: 2024-02-24. Review status: criteria provided, single submitter. Criteria: Invitae Variant Classification Sherloc (09022015). Collection method: clinical testing. Allele origin: germline.
Comment: This sequence change replaces leucine, which is neutral and non-polar, with valine, which is neutral and non-polar, at codon 813 of the GRIN2B protein (p.Leu813Val). This variant is not present in population databases (gnomAD no frequency). This missense change has been observed in individual(s) with clinical features of GRIN2B-related conditions (PMID: 33604570; Invitae). In at least one individual the variant was observed to be de novo. ClinVar contains an entry for this variant (Variation ID: 864861). Advanced modeling of protein sequence and biophysical properties (such as structural, functional, and spatial information, amino acid conservation, physicochemical variation, residue mobility, and thermodynamic stability) performed at Invitae indicates that this missense variant is expected to disrupt GRIN2B protein function with a positive predictive value of 95%. For these reasons, this variant has been classified as Pathogenic.

Bruce Lefroy Centre, Murdoch Childrens Research Institute
Classification: Likely pathogenic for Intellectual developmental disorder, autosomal dominant 6, with or without seizures. Last evaluated: 2020-01-01. Review status: criteria provided, single submitter. Criteria: ACMG Guidelines, 2015. Collection method: research. Allele origin: de novo. Inheritance: Autosomal dominant inheritance. Affected: yes. Observed: 1 variant allele, 1 heterozygote.
Comment: PM1, PM2, PM6, PP2

Literature cited by the submitters: PubMed 33604570 (cited by Labcorp Genetics (formerly Invitae), Labcorp).

NM_000834.5(GRIN2B):c.2437C>G (p.Leu813Val)

Gene: GRIN2B (glutamate ionotropic receptor NMDA type subunit 2B; minus strand). Cytogenetic location: 12p13.1.
Variant type: single nucleotide variant.
Coding change: c.2437C>G on transcript NM_000834.5 (MANE Select); coding-DNA position 2437, C replaced by G.
Protein change: p.Leu813Val; replaces leucine 813 with valine.
Molecular consequence: missense variant.
Genome position (GRCh38, 1-based): chr12:13,567,186, G>C on the plus strand (C>G on the coding strand, the complement: GRIN2B is on the minus strand). VCF-style: chr12-13567186-G-C. GRCh37 (hg19) VCF-style: chr12-13720120-G-C.
Other names: short protein forms L813V.
Identifiers: ClinVar variation 864861 (VCV000864861.10), dbSNP rs1948652423, ClinGen allele CA383996472.